The following is an entry in ClinVar:

NM_213653.4(HJV):c.346C>T (p.Gln116Ter)

Gene: HJV (hemojuvelin BMP co-receptor; minus strand). Cytogenetic location: 1q21.1.
Variant type: single nucleotide variant.
Coding change: c.346C>T on transcript NM_213653.4 (MANE Select); coding-DNA position 346, C replaced by T.
Protein change: p.Gln116Ter; replaces glutamine 116 with a stop codon.
Molecular consequence: nonsense. On other transcripts: intron variant (3).
Genome position (GRCh38, 1-based): chr1:146,019,486, G>A on the plus strand (C>T on the coding strand, the complement: HJV is on the minus strand). VCF-style: chr1-146019486-G-A. GRCh37 (hg19) VCF-style: chr1-145415527-C-T.
Other names: c.346C>T, p.Gln116Ter (NM_001379352.1); c.7C>T, p.Gln3Ter (NM_145277.5); c.-21-786C>T (NM_213652.4); c.-22+212C>T (NM_202004.4, NM_001316767.2); short protein forms Q3*, Q116*.
Identifiers: ClinVar variation 1455259 (VCV001455259.6), dbSNP rs1553769735, ClinGen allele CA342142094.
Genomic context (GRCh38, chr1:146,019,486, plus strand): 5'-GAAGGGCGGGGCCCCGGGGCGGGGGAGGGGCTGTAGGGCCCTGGCGGGAGCAGTTGTGCT[G>A]GATCATCAGGTCTTCGATGCCATGTACCGCCGAATGGAAGGCGAGGTCCCCGCGGCAGGT-3'

ClinVar aggregate classification (germline): Pathogenic (1 of 4 stars; one submission).

gnomAD v4.1: 1 of 1,612,876 alleles (0.000062%); highest among the groups gnomAD compares: Non-Finnish European, 0.000085%; no homozygotes.

Submission:

Labcorp Genetics (formerly Invitae), Labcorp
Classification: Pathogenic. Last evaluated: 2021-12-01. Review status: criteria provided, single submitter. Criteria: Invitae Variant Classification Sherloc (09022015). Collection method: clinical testing. Allele origin: germline.
Comment: This premature translational stop signal has been observed in individual(s) with juvenile hemochromatosis (PMID: 15967692). For these reasons, this variant has been classified as Pathogenic. This variant is not present in population databases (gnomAD no frequency). This sequence change creates a premature translational stop signal (p.Gln116*) in the HJV gene. It is expected to result in an absent or disrupted protein product. Loss-of-function variants in HJV are known to be pathogenic (PMID: 20301349, 22408404).

Literature cited by the submitters: PubMed 15967692; PubMed 20301349; PubMed 22408404.